The following is an entry in ClinVar:

NM_000038.6(APC):c.6005C>T (p.Pro2002Leu)

Gene: APC (APC regulator of Wnt signaling pathway; plus strand). Cytogenetic location: 5q22.2.
Variant type: single nucleotide variant.
Coding change: c.6005C>T on transcript NM_000038.6 (MANE Select); coding-DNA position 6005, C replaced by T.
Protein change: p.Pro2002Leu; replaces proline 2002 with leucine.
Molecular consequence: missense variant. On other transcripts: non-coding transcript variant (2).
Genome position (GRCh38, 1-based): chr5:112,841,599, C>T. VCF-style: chr5-112841599-C-T. GRCh37 (hg19) VCF-style: chr5-112177296-C-T.
Other names: c.6005C>T, p.Pro2002Leu (NM_001127510.3, NM_001354895.2, NM_001407450.1); c.5951C>T, p.Pro1984Leu (NM_001127511.3); c.6059C>T, p.Pro2020Leu (NM_001354896.2, NM_001407447.1, NM_001407448.1 and 1 more transcripts); c.6035C>T, p.Pro2012Leu (NM_001354897.2); c.5930C>T, p.Pro1977Leu (NM_001354898.2); c.5921C>T, p.Pro1974Leu (NM_001354899.2); c.5882C>T, p.Pro1961Leu (NM_001354900.2); c.5828C>T, p.Pro1943Leu (NM_001354901.2, NM_001407453.1); and 11 more; short protein forms P1719L, P1873L, P1876L, P1943L, P1984L, P1995L, P1901L, P1911L.
Identifiers: ClinVar variation 4837865 (VCV004837865.1).
Genomic context (GRCh38, chr5:112,841,599, plus strand): 5'-AAGAAAATGAACCTATCAAAGAGACTGAGCCCCCTGACTCACAGGGAGAACCAAGTAAAC[C>T]TCAAGCATCAGGCTATGCTCCTAAATCATTTCATGTTGAAGATACCCCAGTTTGTTTCTC-3'
Protein context (NP_000029.2, residues 1992-2012): PPDSQGEPSK[Pro2002Leu]QASGYAPKSF

ClinVar aggregate classification (germline): Uncertain significance (1 of 4 stars; one submission).

Conditions:
Hereditary cancer-predisposing syndrome. Also called: Neoplastic Syndromes, Hereditary; Tumor predisposition; Hereditary Cancer Syndrome; Hereditary neoplastic syndrome. Identifiers: Orphanet 140162, MedGen C0027672, MeSH D009386, MONDO:0015356.

Submission:

Ambry Genetics
Classification: Uncertain significance for Hereditary cancer-predisposing syndrome. Last evaluated: 2026-02-03. Review status: criteria provided, single submitter. Criteria: Ambry Variant Classification Scheme 2023. Collection method: clinical testing. Allele origin: germline.
Comment: The p.P2002L variant (also known as c.6005C>T), located in coding exon 15 of the APC gene, results from a C to T substitution at nucleotide position 6005. The proline at codon 2002 is replaced by leucine, an amino acid with similar properties. This amino acid position is well conserved in available vertebrate species. In addition, in silico predictors for this gene do not accurately predict pathogenicity. Missense variants in APC are not a common cause of disease (Spier I et al. Genet Med. 2024 Feb;26(2):100992). Based on the available evidence, the clinical significance of this variant remains unclear.